The following is an entry in ClinVar:

ClinVar aggregate classification (germline): Likely benign. Review status: criteria provided, multiple submitters, no conflicts (2 of 4 stars). 2 submissions from 2 submitters: Likely benign (2). Last evaluated 2023-05-09.

Allele frequency attached by ClinVar (database versions not stated): ExAC 0.00001; gnomAD exomes 0.00001; TOPMed 0.00003; gnomAD 0.00004.
gnomAD v4.1: 15 of 1,343,054 alleles (0.0011%); highest among the groups gnomAD compares: East Asian, 0.015%; 1 homozygote.

Submissions (2):

Blueprint Genetics
Classification: Likely benign. Last evaluated: 2023-05-09. Review status: criteria provided, single submitter. Criteria: ACMG Guidelines, 2015. Collection method: clinical testing. Allele origin: germline.

CeGaT Center for Human Genetics Tuebingen
Classification: Likely benign. Last evaluated: 2022-08-01. Review status: criteria provided, single submitter. Criteria: CeGaT Center For Human Genetics Tuebingen Variant Classification Criteria Version 2. Collection method: clinical testing. Allele origin: germline. Affected: yes. Observed: 1 variant allele.
Comment: CACNA1B: BP4, BP7

NM_000718.4(CACNA1B):c.180C>T (p.Asn60=)

Genes: CACNA1B (calcium voltage-gated channel subunit alpha1 B; plus strand), CACNA1B-AS2 (CACNA1B antisense RNA 2; minus strand). Cytogenetic location: 9q34.3.
Variant type: single nucleotide variant.
Coding change: c.180C>T on transcript NM_000718.4 (MANE Select); coding-DNA position 180, C replaced by T.
Protein change: p.Asn60=; no amino-acid change (asparagine 60 retained).
Molecular consequence: synonymous variant.
Genome position (GRCh38, 1-based): chr9:137,878,113, C>T. VCF-style: chr9-137878113-C-T. GRCh37 (hg19) VCF-style: chr9-140772565-C-T.
Other names: c.180C>T, p.Asn60= (NM_001243812.2).
Identifiers: ClinVar variation 2659845 (VCV002659845.25), dbSNP rs780255192, ClinGen allele CA5375637.